The following is an entry in ClinVar:

ClinVar aggregate classification (germline): Uncertain significance. Review status: criteria provided, multiple submitters, no conflicts (2 of 4 stars). 3 submissions from 3 submitters: Uncertain significance (3). Last evaluated 2025-12-22.

Conditions:
Inborn genetic diseases. Identifiers: MedGen C0950123, MeSH D030342.
Autosomal recessive limb-girdle muscular dystrophy type 2L (LGMDR12). Also called: Limb-girdle muscular dystrophy, type 2L; Limb-Girdle Muscular Dystrophy R12 Anoctamin-5-Related (LGMD-R12); MUSCULAR DYSTROPHY, LIMB-GIRDLE, AUTOSOMAL RECESSIVE 12. Identifiers: Orphanet 206549, MedGen C1969785, MONDO:0012652, OMIM 611307.
Gnathodiaphyseal dysplasia (GDD). Also called: GNATHODIAPHYSEAL SCLEROSIS; OSTEOGENESIS IMPERFECTA WITH UNUSUAL SKELETAL LESIONS. Identifiers: Orphanet 53697, MedGen C1833736, MONDO:0008151, OMIM 166260.

Allele frequency attached by ClinVar (database versions not stated): gnomAD 0.00002; TOPMed 0.00002.
gnomAD v4.1: 6 of 1,610,458 alleles (0.00037%); highest among the groups gnomAD compares: Non-Finnish European, 0.00051%; no homozygotes.

Submissions (3):

Ambry Genetics
Classification: Uncertain significance for Inborn genetic diseases. Last evaluated: 2025-12-22. Review status: criteria provided, single submitter. Criteria: Ambry Variant Classification Scheme 2023. Collection method: clinical testing. Allele origin: germline.

Athena Diagnostics
Classification: Uncertain significance. Last evaluated: 2025-04-28. Review status: criteria provided, single submitter. Criteria: Athena Diagnostics Criteria. Collection method: clinical testing. Allele origin: unknown.
Comment: Available data are insufficient to determine the clinical significance of the variant at this time. The frequency of this variant in the general population is uninformative in assessment of its pathogenicity. Polyphen and MutationTaster predict this amino acid change may be damaging to the protein.

Labcorp Genetics (formerly Invitae), Labcorp
Classification: Uncertain significance for Autosomal recessive limb-girdle muscular dystrophy type 2L; Gnathodiaphyseal dysplasia. Last evaluated: 2021-06-19. Review status: criteria provided, single submitter. Criteria: Invitae Variant Classification Sherloc (09022015). Collection method: clinical testing. Allele origin: germline.
Comment: Algorithms developed to predict the effect of missense changes on protein structure and function are either unavailable or do not agree on the potential impact of this missense change (SIFT: "Deleterious"; PolyPhen-2: "Probably Damaging"; Align-GVGD: "Class C0"). In summary, the available evidence is currently insufficient to determine the role of this variant in disease. Therefore, it has been classified as a Variant of Uncertain Significance. This variant has not been reported in the literature in individuals with ANO5-related conditions. This sequence change replaces alanine with valine at codon 249 of the ANO5 protein (p.Ala249Val). The alanine residue is highly conserved and there is a small physicochemical difference between alanine and valine. This variant is not present in population databases (ExAC no frequency).

NM_213599.3(ANO5):c.746C>T (p.Ala249Val)

Gene: ANO5 (anoctamin 5; plus strand). Cytogenetic location: 11p14.3.
Variant type: single nucleotide variant.
Coding change: c.746C>T on transcript NM_213599.3 (MANE Select); coding-DNA position 746, C replaced by T.
Protein change: p.Ala249Val; replaces alanine 249 with valine.
Molecular consequence: missense variant.
Genome position (GRCh38, 1-based): chr11:22,236,260, C>T. VCF-style: chr11-22236260-C-T. GRCh37 (hg19) VCF-style: chr11-22257806-C-T.
Other names: c.743C>T, p.Ala248Val (NM_001142649.2); short protein forms A248V, A249V.
Identifiers: ClinVar variation 648754 (VCV000648754.11), dbSNP rs1278466363, ClinGen allele CA379920319.
Genomic context (GRCh38, chr11:22,236,260, plus strand): 5'-AAGATGGGAAGAAAAGGTTTGGGATTGAAAGACTGCTAAACTCTAACACTTACTCATCTG[C>T]CTATCCACTCCATGATGTATGTATAGGTTTGATTGTGAAAATCTGAGCTTATTTTCCTCC-3'
Protein context (NP_998764.1, residues 239-259): RLLNSNTYSS[Ala249Val]YPLHDGQYWK